The following is an entry in ClinVar:

ClinVar aggregate classification (germline): Conflicting classifications of pathogenicity. Review status: criteria provided, conflicting classifications (1 of 4 stars). 2 submissions from 2 submitters: Uncertain significance (1); Benign (1). Last evaluated 2024-10-28.

Allele frequency attached by ClinVar (database versions not stated): gnomAD 0.00004 and 0.00005; TOPMed 0.00008; ExAC 0.00009; gnomAD exomes 0.00009; 1000 Genomes Project 30x 0.00047; 1000 Genomes Project 0.00060.
gnomAD v4.1: 29 of 1,612,648 alleles (0.0018%); highest among the groups gnomAD compares: East Asian, 0.06%; no homozygotes.

Submissions (2):

Blueprint Genetics
Classification: Benign. Last evaluated: 2024-10-28. Review status: criteria provided, single submitter. Criteria: ACMG Guidelines, 2015. Collection method: clinical testing. Allele origin: germline.

Labcorp Genetics (formerly Invitae), Labcorp
Classification: Uncertain significance. Last evaluated: 2022-10-24. Review status: criteria provided, single submitter. Criteria: Invitae Variant Classification Sherloc (09022015). Collection method: clinical testing. Allele origin: germline.
Comment: This sequence change replaces glutamic acid, which is acidic and polar, with aspartic acid, which is acidic and polar, at codon 533 of the SAMD11 protein (p.Glu533Asp). This variant is present in population databases (rs201447515, gnomAD 0.1%). This variant has not been reported in the literature in individuals affected with SAMD11-related conditions. ClinVar contains an entry for this variant (Variation ID: 1495511). Algorithms developed to predict the effect of missense changes on protein structure and function output the following: SIFT: "Tolerated"; PolyPhen-2: "Benign"; Align-GVGD: "Class C0". The aspartic acid amino acid residue is found in multiple mammalian species, which suggests that this missense change does not adversely affect protein function. In summary, the available evidence is currently insufficient to determine the role of this variant in disease. Therefore, it has been classified as a Variant of Uncertain Significance.

NM_001385641.1(SAMD11):c.2088G>T (p.Glu696Asp)

Genes: SAMD11 (sterile alpha motif domain containing 11; plus strand), LOC129929063 (ATAC-STARR-seq lymphoblastoid active region 4; plus strand). Cytogenetic location: 1p36.33.
Variant type: single nucleotide variant.
Coding change: c.2088G>T on transcript NM_001385641.1 (MANE Select); coding-DNA position 2088, G replaced by T.
Protein change: p.Glu696Asp; replaces glutamic acid 696 with aspartic acid.
Molecular consequence: missense variant.
Genome position (GRCh38, 1-based): chr1:943,287, G>T. VCF-style: chr1-943287-G-T. GRCh37 (hg19) VCF-style: chr1-878667-G-T.
Other names: c.2091G>T, p.Glu697Asp (NM_001385640.1); c.1599G>T, p.Glu533Asp (NM_152486.4); short protein forms E696D, E697D, E533D.
Identifiers: ClinVar variation 1495511 (VCV001495511.4), dbSNP rs201447515, ClinGen allele CA503140.
Genomic context (GRCh38, chr1:943,287, plus strand): 5'-CCCTAGTAACACGCCCCACAACTCAGGCGCGGTAGGGGGACTCTCCATGGATGGGGAGGA[G>T]GCCCCAGCCCCTGAGGACGTCACCAAGTGGACCGTGGATGACGTCTGCAGCTTCGTGGGG-3'
Protein context (NP_001372570.1, residues 686-706): AVGGLSMDGE[Glu696Asp]APAPEDVTKW